The following is an entry in ClinVar:

NM_001190737.2(NFIB):c.293G>T (p.Gly98Val)

Gene: NFIB (nuclear factor I B; minus strand). Cytogenetic location: 9p22.3.
Variant type: single nucleotide variant.
Coding change: c.293G>T on transcript NM_001190737.2 (MANE Select); coding-DNA position 293, G replaced by T.
Protein change: p.Gly98Val; replaces glycine 98 with valine.
Molecular consequence: missense variant.
Genome position (GRCh38, 1-based): chr9:14,307,258, C>A on the plus strand (G>T on the coding strand, the complement: NFIB is on the minus strand). VCF-style: chr9-14307258-C-A. GRCh37 (hg19) VCF-style: chr9-14307257-C-A.
Other names: c.371G>T, p.Gly124Val (NM_001190738.2); c.359G>T, p.Gly120Val (NM_001369458.1, NM_001369459.1, NM_001369462.1 and 1 more transcripts); c.281G>T, p.Gly94Val (NM_001369460.1, NM_001369463.1, NM_001369466.1 and 4 more transcripts); c.293G>T, p.Gly98Val (NM_001369461.1, NM_001369464.1, NM_001369471.1 and 5 more transcripts); c.266G>T, p.Gly89Val (NM_001369465.1, NM_001369467.1, NM_001369476.1); c.149G>T, p.Gly50Val (NM_001369469.1); c.278G>T, p.Gly93Val (NM_001369474.1); short protein forms G120V, G124V, G50V, G89V, G93V, G94V, G98V.
Identifiers: ClinVar variation 3361878 (VCV003361878.1).

ClinVar aggregate classification (germline): Uncertain significance (1 of 4 stars; one submission).

Submission:

GeneDx
Classification: Uncertain significance. Last evaluated: 2023-08-03. Review status: criteria provided, single submitter. Criteria: GeneDx Variant Classification Process June 2021. Collection method: clinical testing. Allele origin: germline. Affected: yes.
Comment: Not observed at significant frequency in large population cohorts (gnomAD); In silico analysis supports that this missense variant has a deleterious effect on protein structure/function; Has not been previously published as pathogenic or benign to our knowledge